The following is an entry in ClinVar:

NM_000245.4(MET):c.3140T>C (p.Leu1047Pro)

Gene: MET (MET proto-oncogene, receptor tyrosine kinase; plus strand). Cytogenetic location: 7q31.2.
Variant type: single nucleotide variant.
Coding change: c.3140T>C on transcript NM_000245.4 (MANE Select); coding-DNA position 3140, T replaced by C.
Protein change: p.Leu1047Pro; replaces leucine 1047 with proline.
Molecular consequence: missense variant.
Genome position (GRCh38, 1-based): chr7:116,774,992, T>C. VCF-style: chr7-116774992-T-C. GRCh37 (hg19) VCF-style: chr7-116415046-T-C.
Other names: c.3194T>C, p.Leu1065Pro (NM_001127500.3); c.1850T>C, p.Leu617Pro (NM_001324402.2); short protein forms L617P, L1047P, L1065P.
Identifiers: ClinVar variation 958070 (VCV000958070.12), dbSNP rs1794950215, ClinGen allele CA368988303.

ClinVar aggregate classification (germline): Uncertain significance. Review status: criteria provided, multiple submitters, no conflicts (2 of 4 stars). 2 submissions from 2 submitters: Uncertain significance (2). Last evaluated 2022-06-13.

Conditions:
Renal cell carcinoma. Identifiers: Orphanet 217071, MedGen C0007134, MeSH D002292, MONDO:0005086, HP:0005584.
Hereditary cancer-predisposing syndrome. Also called: Tumor predisposition; Hereditary neoplastic syndrome; Neoplastic Syndromes, Hereditary; Hereditary Cancer Syndrome. Identifiers: Orphanet 140162, MedGen C0027672, MeSH D009386, MONDO:0015356.

Submissions (2):

Ambry Genetics
Classification: Uncertain significance for Hereditary cancer-predisposing syndrome. Last evaluated: 2022-06-13. Review status: criteria provided, single submitter. Criteria: Ambry Variant Classification Scheme 2023. Collection method: clinical testing. Allele origin: germline.
Comment: The p.L1065P variant (also known as c.3194T>C), located in coding exon 14 of the MET gene, results from a T to C substitution at nucleotide position 3194. The leucine at codon 1065 is replaced by proline, an amino acid with similar properties. This amino acid position is conserved. In addition, this alteration is predicted to be deleterious by in silico analysis. Since supporting evidence is limited at this time, the clinical significance of this alteration remains unclear.

Labcorp Genetics (formerly Invitae), Labcorp
Classification: Uncertain significance for Renal cell carcinoma. Last evaluated: 2019-08-21. Review status: criteria provided, single submitter. Criteria: Invitae Variant Classification Sherloc (09022015). Collection method: clinical testing. Allele origin: germline.
Comment: This variant is not present in population databases (ExAC no frequency). This sequence change replaces leucine with proline at codon 1065 of the MET protein (p.Leu1065Pro). The leucine residue is highly conserved and there is a moderate physicochemical difference between leucine and proline. This variant has not been reported in the literature in individuals with MET-related conditions. Algorithms developed to predict the effect of missense changes on protein structure and function are either unavailable or do not agree on the potential impact of this missense change (SIFT: "Deleterious"; PolyPhen-2: "Probably Damaging"; Align-GVGD: "Class C0"). In summary, the available evidence is currently insufficient to determine the role of this variant in disease. Therefore, it has been classified as a Variant of Uncertain Significance.